The following is an entry in ClinVar:

NM_001972.4(ELANE):c.583G>C (p.Ala195Pro)

Gene: ELANE (elastase, neutrophil expressed; plus strand). Cytogenetic location: 19p13.3.
Variant type: single nucleotide variant.
Coding change: c.583G>C on transcript NM_001972.4 (MANE Select); coding-DNA position 583, G replaced by C.
Protein change: p.Ala195Pro; replaces alanine 195 with proline.
Molecular consequence: missense variant.
Genome position (GRCh38, 1-based): chr19:855,780, G>C. VCF-style: chr19-855780-G-C. GRCh37 (hg19) VCF-style: chr19-855780-G-C.
Other names: short protein forms A195P.
Identifiers: ClinVar variation 4017410 (VCV004017410.1).

ClinVar aggregate classification (germline): Uncertain significance (1 of 4 stars; one submission).

Conditions:
Inborn genetic diseases. Identifiers: MedGen C0950123, MeSH D030342.

Submission:

Ambry Genetics
Classification: Uncertain significance for Inborn genetic diseases. Last evaluated: 2025-05-31. Review status: criteria provided, single submitter. Criteria: Ambry Variant Classification Scheme 2023. Collection method: clinical testing. Allele origin: germline.
Comment: The p.A195P variant (also known as c.583G>C), located in coding exon 4 of the ELANE gene, results from a G to C substitution at nucleotide position 583. The alanine at codon 195 is replaced by proline, an amino acid with highly similar properties. This amino acid position is conserved. In addition, this alteration is predicted to be deleterious by in silico analysis. Based on the available evidence, the clinical significance of this variant remains unclear.